The following is an entry in ClinVar:

NM_006096.4(NDRG1):c.462T>G (p.Pro154=)

Gene: NDRG1 (N-myc downstream regulated 1; minus strand). Cytogenetic location: 8q24.22.
Variant type: single nucleotide variant.
Coding change: c.462T>G on transcript NM_006096.4 (MANE Select); coding-DNA position 462, T replaced by G.
Protein change: p.Pro154=; no amino-acid change (proline 154 retained).
Molecular consequence: synonymous variant.
Genome position (GRCh38, 1-based): chr8:133,256,852, A>C on the plus strand (T>G on the coding strand, the complement: NDRG1 is on the minus strand). VCF-style: chr8-133256852-A-C. GRCh37 (hg19) VCF-style: chr8-134269095-A-C.
Other names: c.462T>G, p.Pro154= (NM_001374845.1, NM_001374846.1, NM_001135242.2 and 1 more transcripts); c.264T>G, p.Pro88= (NM_001374847.1, NM_001258432.2); c.219T>G, p.Pro73= (NM_001258433.2).
Identifiers: ClinVar variation 2658845 (VCV002658845.24), dbSNP rs2538050589, ClinGen allele CA463020667.

ClinVar aggregate classification (germline): Likely benign (1 of 4 stars; one submission).

Submission:

CeGaT Center for Human Genetics Tuebingen
Classification: Likely benign. Last evaluated: 2023-08-01. Review status: criteria provided, single submitter. Criteria: CeGaT Center For Human Genetics Tuebingen Variant Classification Criteria Version 2. Collection method: clinical testing. Allele origin: germline. Affected: yes. Observed: 1 variant allele.
Comment: NDRG1: PM2:Supporting, BP4, BP7